The following is an entry in ClinVar:

ClinVar aggregate classification (germline): Uncertain significance (1 of 4 stars; one submission).

Allele frequency attached by ClinVar (database versions not stated): TOPMed below 0.00001.

Submission:

Labcorp Genetics (formerly Invitae), Labcorp
Classification: Uncertain significance. Last evaluated: 2023-10-19. Review status: criteria provided, single submitter. Criteria: Invitae Variant Classification Sherloc (09022015). Collection method: clinical testing. Allele origin: germline.
Comment: This sequence change replaces threonine, which is neutral and polar, with isoleucine, which is neutral and non-polar, at codon 659 of the KMT2E protein (p.Thr659Ile). This variant is not present in population databases (gnomAD no frequency). This variant has not been reported in the literature in individuals affected with KMT2E-related conditions. Advanced modeling of protein sequence and biophysical properties (such as structural, functional, and spatial information, amino acid conservation, physicochemical variation, residue mobility, and thermodynamic stability) performed at Invitae indicates that this missense variant is not expected to disrupt KMT2E protein function. In summary, the available evidence is currently insufficient to determine the role of this variant in disease. Therefore, it has been classified as a Variant of Uncertain Significance.

NM_182931.3(KMT2E):c.1976C>T (p.Thr659Ile)

Gene: KMT2E (lysine methyltransferase 2E (inactive); plus strand). Cytogenetic location: 7q22.3.
Variant type: single nucleotide variant.
Coding change: c.1976C>T on transcript NM_182931.3 (MANE Select); coding-DNA position 1976, C replaced by T.
Protein change: p.Thr659Ile; replaces threonine 659 with isoleucine.
Molecular consequence: missense variant.
Genome position (GRCh38, 1-based): chr7:105,101,974, C>T. VCF-style: chr7-105101974-C-T. GRCh37 (hg19) VCF-style: chr7-104742421-C-T.
Other names: c.1976C>T, p.Thr659Ile (NM_001410908.1, NM_018682.4); short protein forms T659I.
Identifiers: ClinVar variation 2770154 (VCV002770154.3), dbSNP rs764806652, ClinGen allele CA368784733.